The following is an entry in ClinVar:

NM_001267550.2(TTN):c.98251A>G (p.Ile32751Val)

Genes: TTN (titin; minus strand), TTN-AS1 (TTN antisense RNA 1; plus strand). Cytogenetic location: 2q31.2.
Variant type: single nucleotide variant.
Coding change: c.98251A>G on transcript NM_001267550.2 (MANE Select); coding-DNA position 98251, A replaced by G.
Protein change: p.Ile32751Val; replaces isoleucine 32751 with valine.
Molecular consequence: missense variant. On other transcripts: non-coding transcript variant (1).
Genome position (GRCh38, 1-based): chr2:178,539,814, T>C on the plus strand (A>G on the coding strand, the complement: TTN is on the minus strand). VCF-style: chr2-178539814-T-C. GRCh37 (hg19) VCF-style: chr2-179404541-T-C.
Other names: c.93328A>G, p.Ile31110Val (NM_001256850.1); c.71056A>G, p.Ile23686Val (NM_003319.4); c.90547A>G, p.Ile30183Val (NM_133378.4); c.71431A>G, p.Ile23811Val (NM_133432.3); c.71632A>G, p.Ile23878Val (NM_133437.4); short protein forms I23686V, I23811V, I23878V, I30183V, I31110V, I32751V.
Identifiers: ClinVar variation 1697027 (VCV001697027.2), dbSNP rs2154140209, ClinGen allele CA349433154.

ClinVar aggregate classification (germline): Uncertain significance (1 of 4 stars; one submission).

Submission:

GeneDx
Classification: Uncertain significance. Last evaluated: 2022-06-20. Review status: criteria provided, single submitter. Criteria: GeneDx Variant Classification Process June 2021. Collection method: clinical testing. Allele origin: germline. Affected: yes.
Comment: Not observed at significant frequency in large population cohorts (gnomAD); Missense variant in a gene in which most reported pathogenic variants are truncating/loss-of-function; Has not been previously published as pathogenic or benign to our knowledge; This variant is associated with the following publications: (PMID: 23975875)